The following is an entry in ClinVar:

NM_005027.4(PIK3R2):c.1529G>A (p.Arg510Gln)

Gene: PIK3R2 (phosphoinositide-3-kinase regulatory subunit 2; plus strand). Cytogenetic location: 19p13.11.
Variant type: single nucleotide variant.
Coding change: c.1529G>A on transcript NM_005027.4 (MANE Select); coding-DNA position 1529, G replaced by A.
Protein change: p.Arg510Gln; replaces arginine 510 with glutamine.
Molecular consequence: missense variant. On other transcripts: non-coding transcript variant (2).
Genome position (GRCh38, 1-based): chr19:18,166,272, G>A. VCF-style: chr19-18166272-G-A. GRCh37 (hg19) VCF-style: chr19-18277082-G-A.
Other names: short protein forms R510Q.
Identifiers: ClinVar variation 2862040 (VCV002862040.3), dbSNP rs552434792, ClinGen allele CA9307046.

ClinVar aggregate classification (germline): Uncertain significance (1 of 4 stars; one submission).

Conditions:
Megalencephaly-polymicrogyria-postaxial polydactyly-hydrocephalus syndrome. Also called: MPPH Syndrome; MEG-PMG-MEGACC SYNDROME. Identifiers: Orphanet 83473, MedGen C1863924, MONDO:0019375.

Allele frequency attached by ClinVar (database versions not stated): ExAC 0.00001; TOPMed 0.00001; gnomAD 0.00002.
gnomAD v4.1: 20 of 1,614,026 alleles (0.0012%); highest among the groups gnomAD compares: East Asian, 0.0022%; no homozygotes.

Submission:

Labcorp Genetics (formerly Invitae), Labcorp
Classification: Uncertain significance for Megalencephaly-polymicrogyria-postaxial polydactyly-hydrocephalus syndrome. Last evaluated: 2025-09-02. Review status: criteria provided, single submitter. Criteria: Invitae Variant Classification Sherloc (09022015). Collection method: clinical testing. Allele origin: germline.
Comment: This sequence change replaces arginine, which is basic and polar, with glutamine, which is neutral and polar, at codon 510 of the PIK3R2 protein (p.Arg510Gln). This variant is present in population databases (rs552434792, gnomAD 0.003%). This variant has not been reported in the literature in individuals affected with PIK3R2-related conditions. ClinVar contains an entry for this variant (Variation ID: 2862040). Invitae Evidence Modeling of protein sequence and biophysical properties (such as structural, functional, and spatial information, amino acid conservation, physicochemical variation, residue mobility, and thermodynamic stability) indicates that this missense variant is not expected to disrupt PIK3R2 protein function with a negative predictive value of 80%. In summary, the available evidence is currently insufficient to determine the role of this variant in disease. Therefore, it has been classified as a Variant of Uncertain Significance.